The following is an entry in ClinVar:

NM_004628.5(XPC):c.1023G>A (p.Ala341=)

Gene: XPC (XPC complex subunit, DNA damage recognition and repair factor; minus strand). Cytogenetic location: 3p25.1.
Variant type: single nucleotide variant.
Coding change: c.1023G>A on transcript NM_004628.5 (MANE Select); coding-DNA position 1023, G replaced by A.
Protein change: p.Ala341=; no amino-acid change (alanine 341 retained).
Molecular consequence: synonymous variant. On other transcripts: non-coding transcript variant (2).
Genome position (GRCh38, 1-based): chr3:14,158,860, C>T on the plus strand (G>A on the coding strand, the complement: XPC is on the minus strand). VCF-style: chr3-14158860-C-T. GRCh37 (hg19) VCF-style: chr3-14200360-C-T.
Other names: c.444G>A, p.Ala148= (NM_001354726.2); c.1023G>A, p.Ala341= (NM_001354727.2, NM_001354730.2); c.1005G>A, p.Ala335= (NM_001354729.2).
Identifiers: ClinVar variation 900925 (VCV000900925.34), dbSNP rs370847346, ClinGen allele CA2267515.
Genomic context (GRCh38, chr3:14,158,860, plus strand): 5'-CTTTGGTTTGGTGTGGTTTTCTAGAACTTGGCTGGAAGTTTCTGAGGAGCCTCCTGGATC[C>T]GCAGTCAATCTTTCCTTGGAAGGTTTCTTTCCCTTAAACAGAATAAGAAATTTTGCTTTT-3'
Protein context (NP_004619.3, residues 331-351): GKKPSKERLT[Ala341=]DPGGSSETSS

ClinVar aggregate classification (germline): Conflicting classifications of pathogenicity. Review status: criteria provided, conflicting classifications (1 of 4 stars). 4 submissions from 4 submitters: Uncertain significance (1); Likely benign (3). Last evaluated 2025-02-16.

Conditions:
Xeroderma pigmentosum, group C (XPC). Also called: Xeroderma pigmentosum, complementation group C; XERODERMA PIGMENTOSUM III; XP, GROUP C; XPC-Related Xeroderma Pigmentosum. Identifiers: Orphanet 910, MedGen C2752147, MONDO:0010211, OMIM 278720.

Allele frequency attached by ClinVar (database versions not stated): gnomAD 0.00001 and 0.00002; gnomAD exomes 0.00002; ExAC 0.00003; TOPMed 0.00003; ESP Exome Variant Server 0.00029.
gnomAD v4.1: 30 of 1,613,800 alleles (0.0019%); highest among the groups gnomAD compares: South Asian, 0.0033%; 1 homozygote.

Submissions (4):

Laboratory of Genetics, Children's Clinical University Hospital Latvia
Classification: Likely benign. Last evaluated: 2025-02-16. Review status: criteria provided, single submitter. Criteria: ACMG Guidelines, 2015. Collection method: clinical testing. Allele origin: germline. Affected: yes.

CeGaT Center for Human Genetics Tuebingen
Classification: Likely benign. Last evaluated: 2024-03-01. Review status: criteria provided, single submitter. Criteria: CeGaT Center For Human Genetics Tuebingen Variant Classification Criteria Version 2. Collection method: clinical testing. Allele origin: germline. Affected: yes. Observed: 1 variant allele.
Comment: XPC: BP4, BP7

Labcorp Genetics (formerly Invitae), Labcorp
Classification: Likely benign. Last evaluated: 2024-02-14. Review status: criteria provided, single submitter. Criteria: Invitae Variant Classification Sherloc (09022015). Collection method: clinical testing. Allele origin: germline.

Illumina Laboratory Services, Illumina
Classification: Uncertain significance for Xeroderma pigmentosum, group C. Last evaluated: 2018-01-13. Review status: criteria provided, single submitter. Criteria: ICSL Variant Classification Criteria 13 December 2019. Collection method: clinical testing. Allele origin: germline.